The following is an entry in ClinVar:

ClinVar aggregate classification (germline): Uncertain significance. Review status: criteria provided, multiple submitters, no conflicts (2 of 4 stars). 14 submissions from 14 submitters: Uncertain significance (13). 1 of the submissions does not count toward it. Last evaluated 2025-08-12.

Conditions:
Ovarian cancer. Also called: OVARIAN CANCER, SOMATIC. Identifiers: Orphanet 213500, MedGen C1140680, MONDO:0008170, OMIM 167000.
Fanconi anemia complementation group J. Also called: BRIP1-Related Fanconi Anemia. Identifiers: Orphanet 84, MedGen C1836860, MONDO:0012187, OMIM 609054.
Familial ovarian cancer. Identifiers: MedGen C5679802, MONDO:0016248.
Breast and/or ovarian cancer. Identifiers: MedGen CN221562.
Familial cancer of breast. Also called: Hereditary breast cancer; hereditary breast carcinoma; BREAST CANCER, FAMILIAL. Identifiers: Orphanet 227535, MedGen C0346153, MONDO:0016419, OMIM 114480. Disease mechanism: loss of function.
Hereditary cancer-predisposing syndrome. Also called: Tumor predisposition; Hereditary neoplastic syndrome; Hereditary Cancer Syndrome; Neoplastic Syndromes, Hereditary. Identifiers: Orphanet 140162, MedGen C0027672, MeSH D009386, MONDO:0015356.

Allele frequency attached by ClinVar (database versions not stated): gnomAD 0.00001; gnomAD exomes 0.00001; TOPMed 0.00002.
gnomAD v4.1: 16 of 1,613,990 alleles (0.00099%); highest among the groups gnomAD compares: Non-Finnish European, 0.0012%; no homozygotes.

Submissions (14):

Quest Diagnostics Nichols Institute San Juan Capistrano
Classification: Uncertain significance. Last evaluated: 2025-08-12. Review status: criteria provided, single submitter. Criteria: Quest Diagnostics criteria. Collection method: clinical testing. Allele origin: unknown.
Comment: The BRIP1 c.254C>T (p.Ser85Leu) variant has been reported in the published literature in individuals affected with colon cancer (PMID: 26901136 (2016)) and breast and/or ovarian cancer (PMIDs: 31822495 (2020), 26921362 (2016)). The frequency of this variant in the general population (Genome Aggregation Database) is uninformative in the assessment of its pathogenicity. Analysis of this variant using bioinformatics tools for the prediction of the effect of amino acid changes on protein structure and function yielded predictions that this variant is benign. Based on the available information, we are unable to determine the clinical significance of this variant.

Ambry Genetics
Classification: Uncertain significance for Hereditary cancer-predisposing syndrome. Last evaluated: 2025-08-05. Review status: criteria provided, single submitter. Criteria: Ambry Variant Classification Scheme 2023. Collection method: clinical testing. Allele origin: germline.

Institute of Immunology and Genetics Kaiserslautern
Classification: Uncertain significance for Fanconi anemia complementation group J; Familial cancer of breast. Last evaluated: 2025-06-11. Review status: criteria provided, single submitter. Criteria: ACMG Guidelines, 2015. Collection method: clinical testing. Allele origin: germline. Affected: yes.
Comment: ACMG Criteria: PM2_P, BP4 ; Variant was found in heterozygous state.

Molecular Pathology, Peter Maccallum Cancer Centre
Classification: Uncertain significance for Familial ovarian cancer. Last evaluated: 2025-05-28. Review status: criteria provided, single submitter. Criteria: ACMG Guidelines, 2015. Collection method: clinical testing. Allele origin: germline. Inheritance: Autosomal dominant inheritance.

Labcorp Genetics (formerly Invitae), Labcorp
Classification: Uncertain significance for Familial cancer of breast; Fanconi anemia complementation group J. Last evaluated: 2025-01-29. Review status: criteria provided, single submitter. Criteria: Invitae Variant Classification Sherloc (09022015). Collection method: clinical testing. Allele origin: germline.
Comment: This sequence change replaces serine, which is neutral and polar, with leucine, which is neutral and non-polar, at codon 85 of the BRIP1 protein (p.Ser85Leu). This variant is present in population databases (rs587781830, gnomAD 0.003%). This missense change has been observed in individual(s) with breast, ovarian and colorectal cancer (PMID: 26901136, 26921362, 31822495). ClinVar contains an entry for this variant (Variation ID: 141545). Invitae Evidence Modeling of protein sequence and biophysical properties (such as structural, functional, and spatial information, amino acid conservation, physicochemical variation, residue mobility, and thermodynamic stability) indicates that this missense variant is not expected to disrupt BRIP1 protein function with a negative predictive value of 95%. In summary, the available evidence is currently insufficient to determine the role of this variant in disease. Therefore, it has been classified as a Variant of Uncertain Significance.

Color Diagnostics, LLC DBA Color Health
Classification: Uncertain significance for Hereditary cancer-predisposing syndrome. Last evaluated: 2024-12-11. Review status: criteria provided, single submitter. Criteria: ACMG Guidelines, 2015. Collection method: clinical testing. Allele origin: germline.
Comment: This missense variant replaces serine with leucine at codon 85 of the BRIP1 protein. Computational prediction suggests that this variant may not impact protein structure and function. To our knowledge, functional studies have not been reported for this variant. This variant has been reported in individuals affected with breast cancer (PMID: 26921362, 31822495) and colorectal cancer (PMID: 26901136). This variant has been identified in 3/251440 chromosomes in the general population by the Genome Aggregation Database (gnomAD). The available evidence is insufficient to determine the role of this variant in disease conclusively. Therefore, this variant is classified as a Variant of Uncertain Significance.

GeneDx
Classification: Uncertain significance. Last evaluated: 2024-11-21. Review status: criteria provided, single submitter. Criteria: GeneDx Variant Classification Process June 2021. Collection method: clinical testing. Allele origin: germline. Affected: yes.
Comment: Not observed at significant frequency in large population cohorts (gnomAD); In silico analysis indicates that this missense variant does not alter protein structure/function; Identified in individuals with personal and/or family history of breast and other cancers (PMID: 26901136, 26921362, 31822495, 34326862); This variant is associated with the following publications: (PMID: 26901136, 26921362, 31822495, 34326862)

CeGaT Center for Human Genetics Tuebingen
Classification: Uncertain significance. Last evaluated: 2024-04-01. Review status: criteria provided, single submitter. Criteria: CeGaT Center For Human Genetics Tuebingen Variant Classification Criteria Version 2. Collection method: clinical testing. Allele origin: germline. Affected: yes. Observed: 1 variant allele.
Comment: BRIP1: PM2, BP4

Baylor Genetics
Classification: Uncertain significance for Familial cancer of breast. Last evaluated: 2024-01-23. Review status: criteria provided, single submitter. Criteria: ACMG Guidelines, 2015. Collection method: clinical testing. Allele origin: unknown.

Myriad Genetics, Inc.
Classification: Uncertain significance for Familial cancer of breast. Last evaluated: 2023-03-01. Review status: criteria provided, single submitter. Criteria: Myriad Autosomal Dominant, Autosomal Recessive and X-Linked Classification Criteria (2023). Collection method: clinical testing. Allele origin: unknown.
Comment: This variant is classified as a variant of uncertain significance as there is insufficient evidence to determine its impact on protein function and/or cancer risk.

Women's Health and Genetics/Laboratory Corporation of America, LabCorp
Classification: Uncertain significance. Last evaluated: 2022-06-27. Review status: criteria provided, single submitter. Criteria: LabCorp Variant Classification Summary - May 2015. Collection method: clinical testing. Allele origin: germline.
Comment: Variant summary: BRIP1 c.254C>T (p.Ser85Leu) results in a non-conservative amino acid change located in the Helicase-like, DEXD box c2 type domain (IPR006554) of the encoded protein sequence. Three of five in-silico tools predict a benign effect of the variant on protein function. The variant allele was found at a frequency of 1.2e-05 in 251440 control chromosomes (gnomAD). The available data on variant occurrences in the general population are insufficient to allow any conclusion about variant significance. c.254C>T has been reported in the literature in individuals affected with breast cancer and colorectal cancer without strong evidence for causality (examples: deVoer_2016 and Easton_2016) . These reports do not provide unequivocal conclusions about association of the variant with Breast Cancer. To our knowledge, no experimental evidence demonstrating an impact on protein function has been reported. Seven clinical diagnostic laboratories have submitted clinical-significance assessments for this variant to ClinVar after 2014 all classified the variant as uncertain significance. Based on the evidence outlined above, the variant was classified as uncertain significance.

CHEO Genetics Diagnostic Laboratory, Children's Hospital of Eastern Ontario
Classification: Uncertain significance for Breast and/or ovarian cancer. Last evaluated: 2021-12-15. Review status: criteria provided, single submitter. Criteria: ACMG Guidelines, 2015. Collection method: clinical testing. Allele origin: germline.

Institute for Clinical Genetics, University Hospital TU Dresden, University Hospital TU Dresden
Classification: Uncertain significance. Last evaluated: 2021-11-03. Review status: criteria provided, single submitter. Criteria: ACMG Guidelines, 2015. Collection method: clinical testing. Allele origin: germline.

Counsyl
Classification: Uncertain significance for Fanconi anemia complementation group J; Ovarian cancer. Last evaluated: 2017-03-14. Review status: no assertion criteria provided. Collection method: clinical testing. Allele origin: unknown. Not counted in ClinVar's aggregate classification.

Literature cited by the submitters: PubMed 26921362 (cited by 4 submitters); PubMed 26901136 (cited by 5 submitters); PubMed 31822495 (cited by 4 submitters).

NM_032043.3(BRIP1):c.254C>T (p.Ser85Leu)

Gene: BRIP1 (BRCA1 interacting DNA helicase 1; minus strand). Cytogenetic location: 17q23.2.
Variant type: single nucleotide variant.
Coding change: c.254C>T on transcript NM_032043.3 (MANE Select); coding-DNA position 254, C replaced by T.
Protein change: p.Ser85Leu; replaces serine 85 with leucine.
Molecular consequence: missense variant.
Genome position (GRCh38, 1-based): chr17:61,857,183, G>A on the plus strand (C>T on the coding strand, the complement: BRIP1 is on the minus strand). VCF-style: chr17-61857183-G-A. GRCh37 (hg19) VCF-style: chr17-59934544-G-A.
Other names: short protein forms S85L.
Identifiers: ClinVar variation 141545 (VCV000141545.55), dbSNP rs587781830, ClinGen allele CA165726.